The following is an entry in ClinVar:

NM_003070.5(SMARCA2):c.3596T>G (p.Ile1199Ser)

Gene: SMARCA2 (SWI/SNF related BAF chromatin remodeling complex subunit ATPase 2; plus strand). Cytogenetic location: 9p24.3.
Variant type: single nucleotide variant.
Coding change: c.3596T>G on transcript NM_003070.5 (MANE Select); coding-DNA position 3596, T replaced by G.
Protein change: p.Ile1199Ser; replaces isoleucine 1199 with serine.
Molecular consequence: missense variant.
Genome position (GRCh38, 1-based): chr9:2,115,961, T>G. VCF-style: chr9-2115961-T-G. GRCh37 (hg19) VCF-style: chr9-2115961-T-G.
Other names: c.3596T>G, p.Ile1199Ser (NM_001289396.2, NM_139045.4); c.3422T>G, p.Ile1141Ser (NM_001289397.2); short protein forms I1141S, I1199S.
Identifiers: ClinVar variation 4994054 (VCV004994054.1).

ClinVar aggregate classification (germline): Likely pathogenic (1 of 4 stars; one submission).

Conditions:
SMARCA2-related disorder. Also called: SMARCA2-related condition.

Submission:

PreventionGenetics, part of Exact Sciences
Classification: Likely pathogenic for SMARCA2-related condition. Last evaluated: 2025-09-26. Review status: criteria provided, single submitter. Criteria: ACMG Guidelines, 2015. Collection method: clinical testing. Allele origin: germline.
Comment: The SMARCA2 c.3596T>G variant is predicted to result in the amino acid substitution p.Ile1199Ser. To our knowledge, this variant has not been reported in the literature or in a large population database (gnomAD), indicating this variant is rare. The p.Ile1199Ser variant occurs in the helicase C-terminal domain of the SMARCA2 protein. Variants in this region have been reported in association with Nicolaides-Baraitser syndrome (Cappuccio et al. 2020. PubMed ID: 32694869). This variant is interpreted as likely pathogenic.